The following is an entry in ClinVar:

ClinVar aggregate classification (germline): Uncertain significance. Review status: criteria provided, multiple submitters, no conflicts (2 of 4 stars). 2 submissions from 2 submitters: Uncertain significance (2). Last evaluated 2022-11-10.

Conditions:
Distal hereditary motor neuropathy type 2. Identifiers: Orphanet 139525, MedGen C3711384, MeSH C580044, MONDO:0015352.

Allele frequency attached by ClinVar (database versions not stated): gnomAD 0.00001; gnomAD exomes 0.00002; ExAC 0.00003; ESP Exome Variant Server 0.00008.
gnomAD v4.1: 22 of 1,603,694 alleles (0.0014%); highest among the groups gnomAD compares: Non-Finnish European, 0.0017%; no homozygotes.

Submissions (2):

Labcorp Genetics (formerly Invitae), Labcorp
Classification: Uncertain significance for Distal hereditary motor neuropathy type 2. Last evaluated: 2022-11-10. Review status: criteria provided, single submitter. Criteria: Invitae Variant Classification Sherloc (09022015). Collection method: clinical testing. Allele origin: germline.
Comment: This sequence change replaces proline, which is neutral and non-polar, with arginine, which is basic and polar, at codon 871 of the FBXO38 protein (p.Pro871Arg). This variant is present in population databases (rs144849921, gnomAD 0.006%). This variant has not been reported in the literature in individuals affected with FBXO38-related conditions. Algorithms developed to predict the effect of missense changes on protein structure and function are either unavailable or do not agree on the potential impact of this missense change (SIFT: "Deleterious"; PolyPhen-2: "Probably Damaging"; Align-GVGD: "Class C0"). In summary, the available evidence is currently insufficient to determine the role of this variant in disease. Therefore, it has been classified as a Variant of Uncertain Significance.

Ambry Genetics
Classification: Uncertain significance. Last evaluated: 2022-09-12. Review status: criteria provided, single submitter. Criteria: Ambry Variant Classification Scheme 2023. Collection method: clinical testing. Allele origin: germline.
Comment: The p.P946R variant (also known as c.2837C>G), located in coding exon 16 of the FBXO38 gene, results from a C to G substitution at nucleotide position 2837. The proline at codon 946 is replaced by arginine, an amino acid with dissimilar properties. This amino acid position is highly conserved in available vertebrate species. In addition, this alteration is predicted to be deleterious by in silico analysis. Since supporting evidence is limited at this time, the clinical significance of this alteration remains unclear.

NM_205836.3(FBXO38):c.2837C>G (p.Pro946Arg)

Gene: FBXO38 (F-box protein 38; plus strand). Cytogenetic location: 5q32.
Variant type: single nucleotide variant.
Coding change: c.2837C>G on transcript NM_205836.3 (MANE Select); coding-DNA position 2837, C replaced by G.
Protein change: p.Pro946Arg; replaces proline 946 with arginine.
Molecular consequence: missense variant.
Genome position (GRCh38, 1-based): chr5:148,433,717, C>G. VCF-style: chr5-148433717-C-G. GRCh37 (hg19) VCF-style: chr5-147813280-C-G.
Other names: c.2102C>G, p.Pro701Arg (NM_001271723.2); c.2612C>G, p.Pro871Arg (NM_030793.5); short protein forms P701R, P871R, P946R.
Identifiers: ClinVar variation 1053733 (VCV001053733.12), dbSNP rs144849921, ClinGen allele CA3497601.
Genomic context (GRCh38, chr5:148,433,717, plus strand): 5'-ATCTTGTTGGAGTCACTATGACCAATTGTGGAATCACAGATCTAGTGCTAAAAGACTGTC[C>G]AAAGATGATGTTCATCCATGGTATGTATTTGGGCCCATATTATACAAGAGTATCATGAAT-3'
Protein context (NP_995308.1, residues 936-956): GITDLVLKDC[Pro946Arg]KMMFIHATRC